The following is an entry in ClinVar:

ClinVar aggregate classification (germline): not provided (0 of 4 stars; one submission).

Conditions:
Ovarian neoplasm. Also called: Ovarian Neoplasms; Neoplasm of ovary; Ovarian tumor. Identifiers: MedGen C0919267, MeSH D010051, MONDO:0021068, HP:0100615.

Allele frequency attached by ClinVar (database versions not stated): gnomAD exomes below 0.00001.
gnomAD v4.1: 1 of 1,614,114 alleles (0.000062%); highest among the groups gnomAD compares: Non-Finnish European, 0.000085%; no homozygotes.

Submission:

Laboratory of Translational Genomics,  National Cancer Institute
No classification provided. Condition: Neoplasm of ovary. Review status: no classification provided. Collection method: not provided. Allele origin: somatic.
Comment: Ovarian Cancer specimen

NM_004448.4(ERBB2):c.2605C>T (p.Leu869=)

Gene: ERBB2 (erb-b2 receptor tyrosine kinase 2; plus strand). Cytogenetic location: 17q12.
Variant type: single nucleotide variant.
Coding change: c.2605C>T on transcript NM_004448.4 (MANE Select); coding-DNA position 2605, C replaced by T.
Protein change: p.Leu869=; no amino-acid change (leucine 869 retained).
Molecular consequence: synonymous variant. On other transcripts: non-coding transcript variant (1), intron variant (3).
Genome position (GRCh38, 1-based): chr17:39,725,160, C>T. VCF-style: chr17-39725160-C-T. GRCh37 (hg19) VCF-style: chr17-37881413-C-T.
Other names: c.2515C>T, p.Leu839= (NM_001005862.3, NM_001382782.1, NM_001382783.1); c.2560C>T, p.Leu854= (NM_001289936.2); c.2605C>T, p.Leu869= (NM_001289937.2, NM_001382796.1); c.2722C>T, p.Leu908= (NM_001382784.1); c.2707C>T, p.Leu903= (NM_001382785.1); c.2686C>T, p.Leu896= (NM_001382786.1); c.2680C>T, p.Leu894= (NM_001382787.1); c.2635C>T, p.Leu879= (NM_001382788.1); and 15 more.
Identifiers: ClinVar variation 132948 (VCV000132948.1), dbSNP rs104886010, ClinGen allele CA156269.
Genomic context (GRCh38, chr17:39,725,160, plus strand): 5'-CGGAACGTGCTGGTCAAGAGTCCCAACCATGTCAAAATTACAGACTTCGGGCTGGCTCGG[C>T]TGCTGGACATTGACGAGACAGAGTACCATGCAGATGGGGGCAAGGTTAGGTGAAGGACCA-3'
Protein context (NP_004439.2, residues 859-879): VKITDFGLAR[Leu869=]LDIDETEYHA